The following is an entry in ClinVar:

ClinVar aggregate classification (germline): Pathogenic (1 of 4 stars; one submission).

Conditions:
Hereditary cancer-predisposing syndrome. Also called: Neoplastic Syndromes, Hereditary; Tumor predisposition; Hereditary Cancer Syndrome; Hereditary neoplastic syndrome. Identifiers: Orphanet 140162, MedGen C0027672, MeSH D009386, MONDO:0015356.

Submission:

Color Diagnostics, LLC DBA Color Health
Classification: Pathogenic for Hereditary cancer-predisposing syndrome. Last evaluated: 2023-10-30. Review status: criteria provided, single submitter. Criteria: ACMG Guidelines, 2015. Collection method: clinical testing. Allele origin: germline.
Comment: This variant inserts 1 nucleotide in exon 11 of the BRCA1 gene, creating a frameshift and premature translation stop signal. This variant is expected to result in an absent or non-functional protein product. To our knowledge, this variant has not been reported in individuals affected with BRCA1-related disorders in the literature. This variant has not been identified in the general population by the Genome Aggregation Database (gnomAD). Loss of BRCA1 function is a known mechanism of disease. Based on the available evidence, this variant is classified as Pathogenic.

NM_007294.4(BRCA1):c.4138dup (p.Glu1380fs)

Gene: BRCA1 (BRCA1 DNA repair associated; minus strand). Cytogenetic location: 17q21.31.
Variant type: Duplication.
Coding change: c.4138dup on transcript NM_007294.4 (MANE Select); coding-DNA position 4138, one base duplicated (G; older notation c.4138dupG).
Protein change: p.Glu1380fs; shifts the reading frame from glutamic acid 1380.
Molecular consequence: frameshift variant.
Genome position (GRCh38, 1-based): chr17:43,090,991, C duplicated on the plus strand (G on the coding strand, the reverse complement: BRCA1 is on the minus strand). VCF-style (leftmost placement, unchanged base first): chr17-43090990-T-TC. GRCh37 (hg19) VCF-style: chr17-41243007-T-TC.
Other names: c.4012dup, p.Glu1338fs (NM_001407940.1, NM_001407941.1, NM_001407649.1 and 11 more transcripts); c.3997dup, p.Glu1333fs (NM_001407942.1, NM_001407944.1, NM_001407945.1 and 29 more transcripts); c.3994dup, p.Glu1332fs (NM_001407943.1, NM_001407740.1, NM_001407741.1 and 20 more transcripts); c.3805dup, p.Glu1269fs (NM_001407946.1, NM_001407947.1, NM_001407948.1 and 6 more transcripts); c.3925dup, p.Glu1309fs (NM_001407571.1, NM_001407853.1, NM_001407894.1 and 9 more transcripts); c.4138dup, p.Glu1380fs (NM_001407581.1, NM_001407582.1, NM_001407583.1 and 30 more transcripts); c.4135dup, p.Glu1379fs (NM_001407587.1, NM_001407590.1, NM_001407591.1 and 22 more transcripts); c.4129dup, p.Glu1377fs (NM_001407646.1, NM_001407647.1); and 42 more; short protein forms E1291fs, E1310fs, E1313fs, E1354fs, E1380fs, E149fs, E166fs, E189fs.
Identifiers: ClinVar variation 2774840 (VCV002774840.2), dbSNP rs2552093415, ClinGen allele CA2697559874.